The following is an entry in ClinVar:

NM_004991.4(MECOM):c.2357C>G (p.Thr786Arg)

Gene: MECOM (MDS1 and EVI1 complex locus; minus strand). Cytogenetic location: 3q26.2.
Variant type: single nucleotide variant.
Coding change: c.2357C>G on transcript NM_004991.4 (MANE Select); coding-DNA position 2357, C replaced by G.
Protein change: p.Thr786Arg; replaces threonine 786 with arginine.
Molecular consequence: missense variant.
Genome position (GRCh38, 1-based): chr3:169,115,515, G>C on the plus strand (C>G on the coding strand, the complement: MECOM is on the minus strand). VCF-style: chr3-169115515-G-C. GRCh37 (hg19) VCF-style: chr3-168833303-G-C.
Other names: c.1988C>G, p.Thr663Arg (NM_001105077.4); c.1793C>G, p.Thr598Arg (NM_001105078.4, NM_001164000.2, NM_001205194.2 and 4 more transcripts); c.1796C>G, p.Thr599Arg (NM_001163999.2, NM_001366467.2, NM_001366468.2 and 1 more transcripts); c.2357C>G, p.Thr786Arg (NM_001366466.2); c.1385C>G, p.Thr462Arg (NM_001366473.2); c.821C>G, p.Thr274Arg (NM_001366474.2); short protein forms T786R, T599R, T274R, T462R, T598R, T663R.
Identifiers: ClinVar variation 3871629 (VCV003871629.1).

ClinVar aggregate classification (germline): Uncertain significance (1 of 4 stars; one submission).

Conditions:
Inborn genetic diseases. Identifiers: MedGen C0950123, MeSH D030342.

Submission:

Ambry Genetics
Classification: Uncertain significance for Inborn genetic diseases. Last evaluated: 2024-12-20. Review status: criteria provided, single submitter. Criteria: Ambry Variant Classification Scheme 2023. Collection method: clinical testing. Allele origin: germline.
Comment: The p.T786R variant (also known as c.2357C>G), located in coding exon 8 of the MECOM gene, results from a C to G substitution at nucleotide position 2357. The threonine at codon 786 is replaced by arginine, an amino acid with similar properties. This amino acid position is conserved. In addition, this alteration is predicted to be tolerated by in silico analysis. Based on the available evidence, the clinical significance of this variant remains unclear.